The following is an entry in ClinVar:

ClinVar aggregate classification (germline): Uncertain significance (1 of 4 stars; one submission).

Conditions:
Bethlem myopathy 1A. Also called: MYOPATHY, BENIGN CONGENITAL, WITH CONTRACTURES; Bethlem myopathy 1; Bethlem Muscular Dystrophy. Identifiers: Orphanet 610, MedGen CN029274, MONDO:0024530, OMIM 158810.

Allele frequency attached by ClinVar (database versions not stated): gnomAD exomes below 0.00001; TOPMed below 0.00001; gnomAD 0.00001.
gnomAD v4.1: 3 of 1,613,632 alleles (0.00019%); highest among the groups gnomAD compares: African/African-American, 0.0013%; no homozygotes.

Submission:

Labcorp Genetics (formerly Invitae), Labcorp
Classification: Uncertain significance for Bethlem myopathy 1A. Last evaluated: 2025-10-15. Review status: criteria provided, single submitter. Criteria: Invitae Variant Classification Sherloc (09022015). Collection method: clinical testing. Allele origin: germline.
Comment: This sequence change replaces threonine, which is neutral and polar, with asparagine, which is neutral and polar, at codon 2455 of the COL6A3 protein (p.Thr2455Asn). This variant is not present in population databases (gnomAD no frequency). This variant has not been reported in the literature in individuals affected with COL6A3-related conditions. ClinVar contains an entry for this variant (Variation ID: 1509411). Invitae Evidence Modeling of protein sequence and biophysical properties (such as structural, functional, and spatial information, amino acid conservation, physicochemical variation, residue mobility, and thermodynamic stability) has been performed for this missense variant. However, the output from this modeling did not meet the statistical confidence thresholds required to predict the impact of this variant on COL6A3 protein function. In summary, the available evidence is currently insufficient to determine the role of this variant in disease. Therefore, it has been classified as a Variant of Uncertain Significance.

NM_004369.4(COL6A3):c.7364C>A (p.Thr2455Asn)

Gene: COL6A3 (collagen type VI alpha 3 chain; minus strand). Cytogenetic location: 2q37.3.
Variant type: single nucleotide variant.
Coding change: c.7364C>A on transcript NM_004369.4 (MANE Select); coding-DNA position 7364, C replaced by A.
Protein change: p.Thr2455Asn; replaces threonine 2455 with asparagine.
Molecular consequence: missense variant.
Genome position (GRCh38, 1-based): chr2:237,344,654, G>T on the plus strand (C>A on the coding strand, the complement: COL6A3 is on the minus strand). VCF-style: chr2-237344654-G-T. GRCh37 (hg19) VCF-style: chr2-238253297-G-T.
Other names: c.5543C>A, p.Thr1848Asn (NM_057166.5); c.6746C>A, p.Thr2249Asn (NM_057167.4); short protein forms T2249N, T2455N, T1848N.
Identifiers: ClinVar variation 1509411 (VCV001509411.8), dbSNP rs1269973980, ClinGen allele CA351203488.
Genomic context (GRCh38, chr2:237,344,654, plus strand): 5'-TTCTTAATCTTGTCCAGGAGGACCGACTTCCTCTTGGAGTCAGCAAACCGGATCTCCGTG[G>T]TCACCTCGTTGTTGTAGGTGACCACAGCCACCCGGGCCCCCCGTGGGCAGTTGCTCTCAG-3'
Protein context (NP_004360.2, residues 2445-2465): VAVVTYNNEV[Thr2455Asn]TEIRFADSKR